The following is an entry in ClinVar:

ClinVar aggregate classification (germline): Uncertain significance (1 of 4 stars; one submission).

Submission:

Labcorp Genetics (formerly Invitae), Labcorp
Classification: Uncertain significance. Last evaluated: 2022-07-11. Review status: criteria provided, single submitter. Criteria: Invitae Variant Classification Sherloc (09022015). Collection method: clinical testing. Allele origin: germline.
Comment: In summary, the available evidence is currently insufficient to determine the role of this variant in disease. Therefore, it has been classified as a Variant of Uncertain Significance. Algorithms developed to predict the effect of missense changes on protein structure and function (SIFT, PolyPhen-2, Align-GVGD) all suggest that this variant is likely to be tolerated. This variant has not been reported in the literature in individuals affected with CAD-related conditions. This variant is not present in population databases (gnomAD no frequency). This sequence change replaces alanine, which is neutral and non-polar, with valine, which is neutral and non-polar, at codon 1041 of the CAD protein (p.Ala1041Val).

NM_004341.5(CAD):c.3122C>T (p.Ala1041Val)

Gene: CAD (carbamoyl-phosphate synthetase 2, aspartate transcarbamylase, and dihydroorotase; plus strand). Cytogenetic location: 2p23.3.
Variant type: single nucleotide variant.
Coding change: c.3122C>T on transcript NM_004341.5 (MANE Select); coding-DNA position 3122, C replaced by T.
Protein change: p.Ala1041Val; replaces alanine 1041 with valine.
Molecular consequence: missense variant.
Genome position (GRCh38, 1-based): chr2:27,233,442, C>T. VCF-style: chr2-27233442-C-T. GRCh37 (hg19) VCF-style: chr2-27456310-C-T.
Other names: c.2933C>T, p.Ala978Val (NM_001306079.2); short protein forms A1041V, A978V.
Identifiers: ClinVar variation 2090434 (VCV002090434.4), dbSNP rs2465330182, ClinGen allele CA346213734.
Genomic context (GRCh38, chr2:27,233,442, plus strand): 5'-ACAACATGGCCATGGCGTTGCATCGGCAGCAGTGCCGGGTGCTGGGCACCTCCCCTGAAG[C>T]CATTGACTCGGCTGAGAACCGTTTCAAGTTTTCCCGGCTCCTTGACACCATTGGTATCAG-3'
Protein context (NP_004332.2, residues 1031-1051): QCRVLGTSPE[Ala1041Val]IDSAENRFKF